The following is an entry in ClinVar:

ClinVar aggregate classification (germline): Uncertain significance. Review status: criteria provided, multiple submitters, no conflicts (2 of 4 stars). 2 submissions from 2 submitters: Uncertain significance (2). Last evaluated 2024-03-06.

Conditions:
Hypertrophic cardiomyopathy. Also called: HYPERTROPHIC MYOCARDIOPATHY. Identifiers: Orphanet 217569, MedGen C0007194, MeSH D002312, MONDO:0005045, HP:0001639.
Cardiomyopathy (CMYO). Also called: Cardiomyopathies. Identifiers: Orphanet 167848, MedGen C0878544, MONDO:0004994, HP:0001638. Inheritance: Various modes of inheritance.

Submissions (2):

Color Diagnostics, LLC DBA Color Health
Classification: Uncertain significance for Cardiomyopathy. Last evaluated: 2024-03-06. Review status: criteria provided, single submitter. Criteria: ACMG Guidelines, 2015. Collection method: clinical testing. Allele origin: germline.
Comment: This missense variant replaces glutamic acid with glutamine at codon 96 of the MYBPC3 protein. Computational prediction suggests that this variant may not impact protein structure and function (internally defined REVEL score threshold <= 0.5, PMID: 27666373). Splice site prediction tools suggest that this variant may not impact RNA splicing. To our knowledge, functional studies have not been performed for this variant. This variant has not been reported in individuals affected with cardiovascular disorders in the literature. This variant has not been identified in the general population by the Genome Aggregation Database (gnomAD). The available evidence is insufficient to determine the role of this variant in disease conclusively. Therefore, this variant is classified as a Variant of Uncertain Significance.

Labcorp Genetics (formerly Invitae), Labcorp
Classification: Uncertain significance for Hypertrophic cardiomyopathy. Last evaluated: 2022-06-08. Review status: criteria provided, single submitter. Criteria: Invitae Variant Classification Sherloc (09022015). Collection method: clinical testing. Allele origin: germline.
Comment: In summary, the available evidence is currently insufficient to determine the role of this variant in disease. Therefore, it has been classified as a Variant of Uncertain Significance. Algorithms developed to predict the effect of missense changes on protein structure and function are either unavailable or do not agree on the potential impact of this missense change (SIFT: "Deleterious"; PolyPhen-2: "Possibly Damaging"; Align-GVGD: "Class C0"). ClinVar contains an entry for this variant (Variation ID: 927106). This variant has not been reported in the literature in individuals affected with MYBPC3-related conditions. This variant is not present in population databases (gnomAD no frequency). This sequence change replaces glutamic acid, which is acidic and polar, with glutamine, which is neutral and polar, at codon 96 of the MYBPC3 protein (p.Glu96Gln).

NM_000256.3(MYBPC3):c.286G>C (p.Glu96Gln)

Gene: MYBPC3 (myosin binding protein C3; minus strand). Cytogenetic location: 11p11.2.
Variant type: single nucleotide variant.
Coding change: c.286G>C on transcript NM_000256.3 (MANE Select); coding-DNA position 286, G replaced by C.
Protein change: p.Glu96Gln; replaces glutamic acid 96 with glutamine.
Molecular consequence: missense variant.
Genome position (GRCh38, 1-based): chr11:47,351,245, C>G on the plus strand (G>C on the coding strand, the complement: MYBPC3 is on the minus strand). VCF-style: chr11-47351245-C-G. GRCh37 (hg19) VCF-style: chr11-47372796-C-G.
Other names: short protein forms E96Q.
Identifiers: ClinVar variation 927106 (VCV000927106.8), dbSNP rs1011673088, ClinGen allele CA221708491.